The following is an entry in ClinVar:

ClinVar aggregate classification (germline): Likely benign (0 of 4 stars; one submission).

Conditions:
SMAD4-related disorder. Also called: SMAD4-related condition; SMAD4-Related disorders.

Submission:

PreventionGenetics, part of Exact Sciences
Classification: Likely benign for SMAD4-related condition. Last evaluated: 2021-08-09. Review status: no assertion criteria provided. Collection method: clinical testing. Allele origin: germline.
Comment: This variant is classified as likely benign based on ACMG/AMP sequence variant interpretation guidelines (Richards et al. 2015 PMID: 25741868, with internal and published modifications).

NM_005359.6(SMAD4):c.1139+278dup

Gene: SMAD4 (SMAD family member 4; plus strand). Cytogenetic location: 18q21.2.
Variant type: Duplication.
Coding change: c.1139+278dup on transcript NM_005359.6 (MANE Select); 278 bases into the intron after coding-DNA position 1139, one base duplicated (T; older notation c.1139+278dupT).
Molecular consequence: intron variant.
Genome position (GRCh38, 1-based): chr18:51,065,884, T duplicated; the last of 4 consecutive T bases (chr18:51,065,881-51,065,884); duplicating any one gives the same sequence. VCF-style (leftmost placement, unchanged base first): chr18-51065880-A-AT. GRCh37 (hg19) VCF-style: chr18-48592250-A-AT.
Other names: c.1139+278dup (NM_001407042.1, NM_001407041.1).
Identifiers: ClinVar variation 3029099 (VCV003029099.2), dbSNP rs1396403594, ClinGen allele CA629588536.